The following is an entry in ClinVar:

ClinVar aggregate classification (germline): Likely pathogenic. Review status: reviewed by expert panel (3 of 4 stars). 6 submissions from 6 submitters: Likely pathogenic (1). 5 of the submissions do not count toward it. Last evaluated 2021-08-27.

Conditions:
Phenylketonuria (PKU). Also called: Phenylketonurias; Phenylketonuria (PKU); OLIGOPHRENIA PHENYLPYRUVICA; FOLLING DISEASE. Identifiers: Orphanet 716, MedGen C0031485, MONDO:0009861, OMIM 261600. Disease mechanism: loss of function.

Allele frequency attached by ClinVar (database versions not stated): gnomAD 0.00001; TOPMed 0.00001.
gnomAD v4.1: 15 of 1,613,736 alleles (0.00093%); highest among the groups gnomAD compares: Non-Finnish European, 0.0012%; no homozygotes.

Submissions (6):

ClinGen PAH Variant Curation Expert Panel
Classification: Likely pathogenic for Phenylketonuria. Last evaluated: 2021-08-27. Review status: reviewed by expert panel. Criteria: ClinGen PAH ACMG Specifications v1. Collection method: curation. Allele origin: germline. Inheritance: Autosomal recessive inheritance.
Comment: This c.1330C>T (p.Leu444Phe) variant in PAH was detected in multiple patients with PKU in trans with the pathogenic variants c.441+3G>C(PMID: 28982351) and c.722G>A (PMID: 26600521). This variant was absent in population databases. Multiple lines of computational evidence support a deleterious effect. In summary, this variant meets criteria to be classified as likely pathogenic for PAH. PAH-specific ACMG/AMP criteria applied: PM3_Strong, PM2, PP3, PP4.

Myriad Genetics, Inc.
Classification: Likely pathogenic for Phenylketonuria. Last evaluated: 2026-03-23. Review status: criteria provided, single submitter. Criteria: Myriad Autosomal Dominant, Autosomal Recessive and X-Linked Classification Criteria (2023). Collection method: clinical testing. Allele origin: unknown. Not counted in ClinVar's aggregate classification.
Comment: NM_000277.1(PAH):c.1330C>T(L444F) is a missense variant classified as likely pathogenic in the context of phenylalanine hydroxylase deficiency. L444F has been observed in cases with relevant disease (PMID: 37004080, 28982351, 26600521, Li_2024_(article)). Relevant functional assessments of this variant are not available in the literature. L444F has been observed in referenced population frequency databases. In summary, NM_000277.1(PAH):c.1330C>T(L444F) is a missense variant that has been observed more frequently in cases with the relevant disease than in healthy populations. Please note: this variant was assessed in the context of healthy population screening.

Women's Health and Genetics/Laboratory Corporation of America, LabCorp
Classification: Uncertain significance. Last evaluated: 2025-03-07. Review status: criteria provided, single submitter. Criteria: LabCorp Variant Classification Summary - May 2015. Collection method: clinical testing. Allele origin: germline. Not counted in ClinVar's aggregate classification.
Comment: Variant summary: PAH c.1330C>T (p.Leu444Phe) results in a non-conservative amino acid change in the encoded protein sequence. Five of five in-silico tools predict a damaging effect of the variant on protein function. The variant was absent in 251180 control chromosomes. c.1330C>T has been reported in the literature in compound heterozygous individuals affected with Phenylalanine Hydroxylase Deficiency (Phenylketonuria) or Hyperphenylalaninemia (e.g. Fang_ 2023, Liu_2017, Liu_2015). These data indicate that the variant may be associated with disease. To our knowledge, no experimental evidence demonstrating an impact on protein function has been reported. The following publications have been ascertained in the context of this evaluation (PMID: 37004080, 28982351, 26600521). ClinVar contains an entry for this variant (Variation ID: 551287). Based on the evidence outlined above, the variant was classified as VUS-possibly pathogenic.

Labcorp Genetics (formerly Invitae), Labcorp
Classification: Pathogenic for Phenylketonuria. Last evaluated: 2024-11-07. Review status: criteria provided, single submitter. Criteria: Invitae Variant Classification Sherloc (09022015). Collection method: clinical testing. Allele origin: germline. Not counted in ClinVar's aggregate classification.
Comment: This sequence change replaces leucine, which is neutral and non-polar, with phenylalanine, which is neutral and non-polar, at codon 444 of the PAH protein (p.Leu444Phe). This variant is present in population databases (no rsID available, gnomAD 0.007%). This missense change has been observed in individual(s) with hyperphenylalaninemia (PMID: 26600521). In at least one individual the data is consistent with being in trans (on the opposite chromosome) from a pathogenic variant. ClinVar contains an entry for this variant (Variation ID: 551287). Invitae Evidence Modeling of protein sequence and biophysical properties (such as structural, functional, and spatial information, amino acid conservation, physicochemical variation, residue mobility, and thermodynamic stability) indicates that this missense variant is not expected to disrupt PAH protein function with a negative predictive value of 80%. For these reasons, this variant has been classified as Pathogenic.

Baylor Genetics
Classification: Likely pathogenic for Phenylketonuria. Last evaluated: 2024-02-12. Review status: criteria provided, single submitter. Criteria: ACMG Guidelines, 2015. Collection method: clinical testing. Allele origin: unknown. Not counted in ClinVar's aggregate classification.

Counsyl
Classification: Uncertain significance for Phenylketonuria. Last evaluated: 2017-03-29. Review status: no assertion criteria provided. Collection method: clinical testing. Allele origin: unknown. Not counted in ClinVar's aggregate classification.

Literature cited by the submitters: PubMed 26600521 (cited by 3 submitters); PubMed 28982351 (cited by Women's Health and Genetics/Laboratory Corporation of America, LabCorp); PubMed 37004080 (cited by Women's Health and Genetics/Laboratory Corporation of America, LabCorp).

NM_000277.3(PAH):c.1330C>T (p.Leu444Phe)

Gene: PAH (phenylalanine hydroxylase; minus strand). Cytogenetic location: 12q23.2.
Variant type: single nucleotide variant.
Coding change: c.1330C>T on transcript NM_000277.3 (MANE Select); coding-DNA position 1330, C replaced by T.
Protein change: p.Leu444Phe; replaces leucine 444 with phenylalanine.
Molecular consequence: missense variant.
Genome position (GRCh38, 1-based): chr12:102,839,204, G>A on the plus strand (C>T on the coding strand, the complement: PAH is on the minus strand). VCF-style: chr12-102839204-G-A. GRCh37 (hg19) VCF-style: chr12-103232982-G-A.
Other names: NM_000277.3(PAH):c.1330C>T; p.Leu444Phe; c.1330C>T, p.Leu444Phe (NM_001354304.2); short protein forms L444F.
Identifiers: ClinVar variation 551287 (VCV000551287.10), dbSNP rs1402168594, ClinGen allele CA386492873.